The following is an entry in ClinVar:

ClinVar aggregate classification (germline): Pathogenic (1 of 4 stars; one submission).

Conditions:
Hypertrophic cardiomyopathy. Also called: HYPERTROPHIC MYOCARDIOPATHY. Identifiers: Orphanet 217569, MedGen C0007194, MeSH D002312, MONDO:0005045, HP:0001639.

Submission:

Labcorp Genetics (formerly Invitae), Labcorp
Classification: Pathogenic for Hypertrophic cardiomyopathy. Last evaluated: 2025-05-22. Review status: criteria provided, single submitter. Criteria: Invitae Variant Classification Sherloc (09022015). Collection method: clinical testing. Allele origin: germline.
Comment: This sequence change affects a donor splice site in intron 18 of the MYBPC3 gene. It is expected to disrupt RNA splicing. Variants that disrupt the donor or acceptor splice site typically lead to a loss of protein function (PMID: 16199547), and loss-of-function variants in MYBPC3 are known to be pathogenic (PMID: 19574547). This variant is not present in population databases (gnomAD no frequency). Disruption of this splice site has been observed in individuals with hypertrophic cardiomyopathy (PMID: 22857948; internal data). ClinVar contains an entry for this variant (Variation ID: 2137078). Algorithms developed to predict the effect of sequence changes on RNA splicing suggest that this variant may disrupt the consensus splice site. For these reasons, this variant has been classified as Pathogenic.

Literature cited by the submitters: PubMed 16199547; PubMed 19574547; PubMed 22857948.

NM_000256.3(MYBPC3):c.1790+1G>C

Gene: MYBPC3 (myosin binding protein C3; minus strand). Cytogenetic location: 11p11.2.
Variant type: single nucleotide variant.
Coding change: c.1790+1G>C on transcript NM_000256.3 (MANE Select); the canonical splice donor site of the intron after coding-DNA position 1790, G replaced by C.
Molecular consequence: splice donor variant.
Genome position (GRCh38, 1-based): chr11:47,341,990, C>G on the plus strand (G>C on the coding strand, the complement: MYBPC3 is on the minus strand). VCF-style: chr11-47341990-C-G. GRCh37 (hg19) VCF-style: chr11-47363541-C-G.
Identifiers: ClinVar variation 2137078 (VCV002137078.4), dbSNP rs1555122053, ClinGen allele CA380324151.